The following is an entry in ClinVar:

ClinVar aggregate classification (germline): Pathogenic/Likely pathogenic. Review status: criteria provided, multiple submitters, no conflicts (2 of 4 stars). 2 submissions from 2 submitters: Pathogenic (1); Likely pathogenic (1). Last evaluated 2024-07-21.

Conditions:
3-methylcrotonyl-CoA carboxylase 2 deficiency. Also called: METHYLCROTONYLGLYCINURIA, TYPE II; 3 alpha methylcrotonyl-CoA carboxylase 2 deficiency; 3 alpha methylcrotonylglycinuria 2; MCC 2 deficiency; Methylcrotonylglycinuria type 2. Identifiers: Orphanet 6, MedGen C1859499, MONDO:0008862, OMIM 210210.

gnomAD v4.1: 3 of 1,613,752 alleles (0.00019%); highest among the groups gnomAD compares: Middle Eastern, 0.016%; no homozygotes.

Submissions (2):

Myriad Genetics, Inc.
Classification: Pathogenic for 3-methylcrotonyl-CoA carboxylase 2 deficiency. Last evaluated: 2024-07-21. Review status: criteria provided, single submitter. Criteria: Myriad Autosomal Dominant, Autosomal Recessive and X-Linked Classification Criteria (2023). Collection method: clinical testing. Allele origin: unknown.
Comment: NM_022132.4(MCCC2):c.518C>A(S173*) is expected to be pathogenic in the context of 3-methylcrotonyl-CoA carboxylase deficiency, MCCC2-related. This variant is predicted to lead to an abnormal or absent protein product due to the creation of a premature termination codon in MCCC2, a gene where loss-of-function variants are known to be pathogenic. Please note: this variant was assessed in the context of healthy population screening.

Baylor Genetics
Classification: Likely pathogenic for 3-methylcrotonyl-CoA carboxylase 2 deficiency. Last evaluated: 2023-12-16. Review status: criteria provided, single submitter. Criteria: ACMG Guidelines, 2015. Collection method: clinical testing. Allele origin: unknown.

NM_022132.5(MCCC2):c.518C>A (p.Ser173Ter)

Gene: MCCC2 (methylcrotonyl-CoA carboxylase subunit 2; plus strand). Cytogenetic location: 5q13.2.
Variant type: single nucleotide variant.
Coding change: c.518C>A on transcript NM_022132.5 (MANE Select); coding-DNA position 518, C replaced by A.
Protein change: p.Ser173Ter; replaces serine 173 with a stop codon.
Molecular consequence: nonsense.
Genome position (GRCh38, 1-based): chr5:71,604,362, C>A. VCF-style: chr5-71604362-C-A. GRCh37 (hg19) VCF-style: chr5-70900189-C-A.
Other names: c.518C>A, p.Ser173Ter (NM_001363147.1); short protein forms S173*.
Identifiers: ClinVar variation 3241903 (VCV003241903.2), dbSNP rs752866557.